The following is an entry in ClinVar:

NM_000038.6(APC):c.5316A>G (p.Pro1772=)

Gene: APC (APC regulator of Wnt signaling pathway; plus strand). Cytogenetic location: 5q22.2.
Variant type: single nucleotide variant.
Coding change: c.5316A>G on transcript NM_000038.6 (MANE Select); coding-DNA position 5316, A replaced by G.
Protein change: p.Pro1772=; no amino-acid change (proline 1772 retained).
Molecular consequence: synonymous variant.
Genome position (GRCh38, 1-based): chr5:112,840,910, A>G. VCF-style: chr5-112840910-A-G. GRCh37 (hg19) VCF-style: chr5-112176607-A-G.
Other names: c.4938A>G, p.Pro1646= (NM_001354904.2); c.4836A>G, p.Pro1612= (NM_001354905.2); c.4467A>G, p.Pro1489= (NM_001354906.2); c.5316A>G, p.Pro1772= (NM_001127510.3, NM_001354895.2); c.5262A>G, p.Pro1754= (NM_001127511.3); c.5370A>G, p.Pro1790= (NM_001354896.2); c.5346A>G, p.Pro1782= (NM_001354897.2); c.5241A>G, p.Pro1747= (NM_001354898.2); and 5 more.
Identifiers: ClinVar variation 925224 (VCV000925224.9), dbSNP rs1765922293, ClinGen allele CA446208785.

ClinVar aggregate classification (germline): Benign/Likely benign. Review status: criteria provided, multiple submitters, no conflicts (2 of 4 stars). 4 submissions from 4 submitters: Benign (1); Likely benign (3). Last evaluated 2025-11-17.

Conditions:
Hereditary cancer-predisposing syndrome. Also called: Neoplastic Syndromes, Hereditary; Tumor predisposition; Hereditary Cancer Syndrome; Hereditary neoplastic syndrome. Identifiers: Orphanet 140162, MedGen C0027672, MeSH D009386, MONDO:0015356.
Familial adenomatous polyposis 1 (FAP1). Also called: FAMILIAL ADENOMATOUS POLYPOSIS 1, ATTENUATED; POLYPOSIS, ADENOMATOUS INTESTINAL. Identifiers: MedGen C2713442, MONDO:0021056, OMIM 175100. Disease mechanism: loss of function.

Submissions (4):

Ambry Genetics
Classification: Likely benign for Hereditary cancer-predisposing syndrome. Last evaluated: 2025-11-17. Review status: criteria provided, single submitter. Criteria: Ambry Variant Classification Scheme 2023. Collection method: clinical testing. Allele origin: germline.

Labcorp Genetics (formerly Invitae), Labcorp
Classification: Likely benign for Familial adenomatous polyposis 1. Last evaluated: 2024-07-31. Review status: criteria provided, single submitter. Criteria: Invitae Variant Classification Sherloc (09022015). Collection method: clinical testing. Allele origin: germline.

Myriad Genetics, Inc.
Classification: Benign for Familial adenomatous polyposis 1. Last evaluated: 2024-04-01. Review status: criteria provided, single submitter. Criteria: Myriad Autosomal Dominant, Autosomal Recessive and X-Linked Classification Criteria (2023). Collection method: clinical testing. Allele origin: unknown.
Comment: This variant is considered benign. This variant is a silent/synonymous amino acid change and it is not expected to impact splicing.

Color Diagnostics, LLC DBA Color Health
Classification: Likely benign for Hereditary cancer-predisposing syndrome. Last evaluated: 2019-07-16. Review status: criteria provided, single submitter. Criteria: ACMG Guidelines, 2015. Collection method: clinical testing. Allele origin: germline.